The following is an entry in ClinVar:

NM_020547.3(AMHR2):c.1424C>T (p.Thr475Ile)

Gene: AMHR2 (anti-Mullerian hormone receptor type 2; plus strand). Cytogenetic location: 12q13.13.
Variant type: single nucleotide variant.
Coding change: c.1424C>T on transcript NM_020547.3 (MANE Select); coding-DNA position 1424, C replaced by T.
Protein change: p.Thr475Ile; replaces threonine 475 with isoleucine.
Molecular consequence: missense variant. On other transcripts: nonsense (1), intron variant (1).
Genome position (GRCh38, 1-based): chr12:53,430,281, C>T. VCF-style: chr12-53430281-C-T. GRCh37 (hg19) VCF-style: chr12-53824065-C-T.
Other names: c.1420C>T, p.Gln474Ter (NM_001164690.2); c.1140+656C>T (NM_001164691.2); short protein forms Q474*, T475I.
Identifiers: ClinVar variation 1418709 (VCV001418709.8), dbSNP rs749197046, ClinGen allele CA6600605.

ClinVar aggregate classification (germline): Uncertain significance (1 of 4 stars; one submission).

Allele frequency attached by ClinVar (database versions not stated): gnomAD exomes below 0.00001 and 0.00001; ExAC 0.00001.
gnomAD v4.1: 3 of 1,614,160 alleles (0.00019%); highest among the groups gnomAD compares: South Asian, 0.0022%; no homozygotes.

Submission:

Labcorp Genetics (formerly Invitae), Labcorp
Classification: Uncertain significance. Last evaluated: 2024-04-08. Review status: criteria provided, single submitter. Criteria: Invitae Variant Classification Sherloc (09022015). Collection method: clinical testing. Allele origin: germline.
Comment: This sequence change replaces threonine, which is neutral and polar, with isoleucine, which is neutral and non-polar, at codon 475 of the AMHR2 protein (p.Thr475Ile). This variant is present in population databases (rs749197046, gnomAD 0.003%). This variant has not been reported in the literature in individuals affected with AMHR2-related conditions. ClinVar contains an entry for this variant (Variation ID: 1418709). An algorithm developed to predict the effect of missense changes on protein structure and function (PolyPhen-2) suggests that this variant is likely to be tolerated. In summary, the available evidence is currently insufficient to determine the role of this variant in disease. Therefore, it has been classified as a Variant of Uncertain Significance.